The following is an entry in ClinVar:

ClinVar aggregate classification (germline): Uncertain significance. Review status: criteria provided, multiple submitters, no conflicts (2 of 4 stars). 2 submissions from 2 submitters: Uncertain significance (2). Last evaluated 2024-09-02.

Conditions:
RYR1-related disorder. Also called: RYR1-related condition; RYR1-related disorders. Identifiers: MedGen CN239331.

gnomAD v4.1: 2 of 1,612,326 alleles (0.00012%); highest among the groups gnomAD compares: African/African-American, 0.0027%; no homozygotes.

Submissions (2):

Labcorp Genetics (formerly Invitae), Labcorp
Classification: Uncertain significance for RYR1-related disorder. Last evaluated: 2024-09-02. Review status: criteria provided, single submitter. Criteria: Invitae Variant Classification Sherloc (09022015). Collection method: clinical testing. Allele origin: germline.
Comment: This sequence change replaces phenylalanine, which is neutral and non-polar, with valine, which is neutral and non-polar, at codon 2121 of the RYR1 protein (p.Phe2121Val). This variant is not present in population databases (gnomAD no frequency). This variant has not been reported in the literature in individuals affected with RYR1-related conditions. Invitae Evidence Modeling of protein sequence and biophysical properties (such as structural, functional, and spatial information, amino acid conservation, physicochemical variation, residue mobility, and thermodynamic stability) indicates that this missense variant is expected to disrupt RYR1 protein function with a positive predictive value of 95%. In summary, the available evidence is currently insufficient to determine the role of this variant in disease. Therefore, it has been classified as a Variant of Uncertain Significance.

GeneDx
Classification: Uncertain significance. Last evaluated: 2024-01-17. Review status: criteria provided, single submitter. Criteria: GeneDx Variant Classification Process June 2021. Collection method: clinical testing. Allele origin: germline. Affected: yes.
Comment: Not observed at significant frequency in large population cohorts (gnomAD); In silico analysis supports that this missense variant has a deleterious effect on protein structure/function; Has not been previously published as pathogenic or benign to our knowledge; This variant is associated with the following publications: (PMID: 12668474, 33767344)

NM_000540.3(RYR1):c.6361T>G (p.Phe2121Val)

Gene: RYR1 (ryanodine receptor 1; plus strand). Cytogenetic location: 19q13.2.
Variant type: single nucleotide variant.
Coding change: c.6361T>G on transcript NM_000540.3 (MANE Select); coding-DNA position 6361, T replaced by G.
Protein change: p.Phe2121Val; replaces phenylalanine 2121 with valine.
Molecular consequence: missense variant.
Genome position (GRCh38, 1-based): chr19:38,494,438, T>G. VCF-style: chr19-38494438-T-G. GRCh37 (hg19) VCF-style: chr19-38985078-T-G.
Other names: c.6361T>G, p.Phe2121Val (NM_001042723.2); short protein forms F2121V.
Identifiers: ClinVar variation 3368061 (VCV003368061.3).